The following is an entry in ClinVar:

NM_001105192.3(TLE3):c.1628C>T (p.Thr543Met)

Gene: TLE3 (TLE family member 3, transcriptional corepressor; minus strand). Cytogenetic location: 15q23.
Variant type: single nucleotide variant.
Coding change: c.1628C>T on transcript NM_001105192.3 (MANE Select); coding-DNA position 1628, C replaced by T.
Protein change: p.Thr543Met; replaces threonine 543 with methionine.
Molecular consequence: missense variant.
Genome position (GRCh38, 1-based): chr15:70,054,636, G>A on the plus strand (C>T on the coding strand, the complement: TLE3 is on the minus strand). VCF-style: chr15-70054636-G-A. GRCh37 (hg19) VCF-style: chr15-70346975-G-A.
Other names: c.1613C>T, p.Thr538Met (NM_001282979.2); c.1622C>T, p.Thr541Met (NM_001282980.2); c.1607C>T, p.Thr536Met (NM_001282981.2); c.1418C>T, p.Thr473Met (NM_001282982.2); c.1658C>T, p.Thr553Met (NM_001438147.1); c.1643C>T, p.Thr548Met (NM_001438148.1); c.1619C>T, p.Thr540Met (NM_001438836.1); c.1610C>T, p.Thr537Met (NM_001438837.1); and 4 more; short protein forms T473M, T536M, T538M, T541M, T534M, T540M, T548M, T543M.
Identifiers: ClinVar variation 4595420 (VCV004595420.2).

ClinVar aggregate classification (germline): Uncertain significance. Review status: criteria provided, multiple submitters, no conflicts (2 of 4 stars). 2 submissions from 2 submitters: Uncertain significance (2). Last evaluated 2026-09-23.

Conditions:
TLE3-related condition.

gnomAD v4.1: 8 of 1,609,572 alleles (0.0005%); highest among the groups gnomAD compares: Non-Finnish European, 0.00051%; no homozygotes.

Submissions (2):

PreventionGenetics, part of Exact Sciences
Classification: Uncertain significance for TLE3-related condition. Last evaluated: 2026-09-23. Review status: criteria provided, single submitter. Criteria: ACMG Guidelines, 2015. Collection method: clinical testing. Allele origin: germline.
Comment: The TLE3 c.1637C>T variant is predicted to result in the amino acid substitution p.Thr546Met. To our knowledge, this variant has not been reported in the literature or in a large population database (gnomAD), indicating this variant is rare. At this time, the clinical significance of this variant is uncertain due to the absence of conclusive functional and genetic evidence.

Ambry Genetics
Classification: Uncertain significance. Last evaluated: 2025-11-03. Review status: criteria provided, single submitter. Criteria: Ambry Variant Classification Scheme 2023. Collection method: clinical testing. Allele origin: germline.